The following is an entry in ClinVar:

ClinVar aggregate classification (germline): Uncertain significance (1 of 4 stars; one submission).

Conditions:
Hereditary cancer-predisposing syndrome. Also called: Tumor predisposition; Hereditary Cancer Syndrome; Hereditary neoplastic syndrome; Neoplastic Syndromes, Hereditary. Identifiers: Orphanet 140162, MedGen C0027672, MeSH D009386, MONDO:0015356.

Allele frequency attached by ClinVar (database versions not stated): gnomAD exomes below 0.00001.
gnomAD v4.1: 2 of 1,612,336 alleles (0.00012%); highest among the groups gnomAD compares: Non-Finnish European, 0.00017%; no homozygotes.

Submission:

Ambry Genetics
Classification: Uncertain significance for Hereditary cancer-predisposing syndrome. Last evaluated: 2025-09-07. Review status: criteria provided, single submitter. Criteria: Ambry Variant Classification Scheme 2023. Collection method: clinical testing. Allele origin: germline.
Comment: The p.Y501C variant (also known as c.1502A>G), located in coding exon 16 of the CDC73 gene, results from an A to G substitution at nucleotide position 1502. The tyrosine at codon 501 is replaced by cysteine, an amino acid with highly dissimilar properties. This amino acid position is conserved. In addition, this alteration is predicted to be tolerated by in silico analysis. Since supporting evidence is limited at this time, the clinical significance of this alteration remains unclear.

NM_024529.5(CDC73):c.1502A>G (p.Tyr501Cys)

Gene: CDC73 (cell division cycle 73; plus strand). Cytogenetic location: 1q31.2.
Variant type: single nucleotide variant.
Coding change: c.1502A>G on transcript NM_024529.5 (MANE Select); coding-DNA position 1502, A replaced by G.
Protein change: p.Tyr501Cys; replaces tyrosine 501 with cysteine.
Molecular consequence: missense variant.
Genome position (GRCh38, 1-based): chr1:193,249,814, A>G. VCF-style: chr1-193249814-A-G. GRCh37 (hg19) VCF-style: chr1-193218944-A-G.
Other names: short protein forms Y501C.
Identifiers: ClinVar variation 2624669 (VCV002624669.3), dbSNP rs1678016514, ClinGen allele CA344078527.